The following is an entry in ClinVar:

NM_003001.5(SDHC):c.74G>T (p.Arg25Ile)

Gene: SDHC (succinate dehydrogenase complex subunit C; plus strand). Cytogenetic location: 1q23.3.
Variant type: single nucleotide variant.
Coding change: c.74G>T on transcript NM_003001.5 (MANE Select); coding-DNA position 74, G replaced by T.
Protein change: p.Arg25Ile; replaces arginine 25 with isoleucine.
Molecular consequence: missense variant. On other transcripts: 5 prime UTR variant (2), non-coding transcript variant (1), intron variant (4).
Genome position (GRCh38, 1-based): chr1:161,323,667, G>T. VCF-style: chr1-161323667-G-T. GRCh37 (hg19) VCF-style: chr1-161293457-G-T.
Other names: c.74G>T, p.Arg25Ile (NM_001035511.3, NM_001035512.3, NM_001278172.3 and 2 more transcripts); c.-38G>T (NM_001407119.1); c.-156G>T (NM_001407120.1); c.21-4729G>T (NM_001407116.1, NM_001407121.1, NM_001407117.1); c.20+9242G>T (NM_001035513.3); short protein forms R25I.
Identifiers: ClinVar variation 2415638 (VCV002415638.6), dbSNP rs2526333111, ClinGen allele CA343359636.
Genomic context (GRCh38, chr1:161,323,667, plus strand): 5'-CTTGCAGACACGTTGGTCGTCATTGCCTCCGAGCCCACTTTAGCCCTCAGCTCTGTATCA[G>T]AAAGTAAGTTTCTAAGTCTGGAGATTATTTATTTATTTTTTTTTTTGAGACGGAGTCTCG-3'
Protein context (NP_002992.1, residues 15-35): RAHFSPQLCI[Arg25Ile]NAVPLGTTAK

ClinVar aggregate classification (germline): Uncertain significance. Review status: criteria provided, multiple submitters, no conflicts (2 of 4 stars). 2 submissions from 2 submitters: Uncertain significance (2). Last evaluated 2026-08-01.

Conditions:
Hereditary cancer-predisposing syndrome. Also called: Hereditary Cancer Syndrome; Hereditary neoplastic syndrome; Neoplastic Syndromes, Hereditary; Tumor predisposition. Identifiers: Orphanet 140162, MedGen C0027672, MeSH D009386, MONDO:0015356.
Gastrointestinal stromal tumor. Also called: Gastrointestinal stroma tumor; Gastrointestinal stromal tumor, somatic. Identifiers: Orphanet 44890, MedGen C0238198, MeSH D046152, MONDO:0011719, OMIM 606764, HP:0100723.
Pheochromocytoma/paraganglioma syndrome 3. Also called: Paragangliomas 3; SDHC-Related Hereditary Paraganglioma-Pheochromocytoma Syndrome (Paragangliomas 3); SDHC-Related Hereditary Paraganglioma-Pheochromocytoma Syndrome; GLOMUS TUMORS, FAMILIAL, 3. Identifiers: Orphanet 29072, MedGen C1854336, MONDO:0011544, OMIM 605373.

Submissions (2):

Ambry Genetics
Classification: Uncertain significance for Hereditary cancer-predisposing syndrome. Last evaluated: 2026-08-01. Review status: criteria provided, single submitter. Criteria: Ambry Variant Classification Scheme 2023. Collection method: clinical testing. Allele origin: germline.
Comment: The p.R25I variant (also known as c.74G>T), located in coding exon 2 of the SDHC gene, results from a G to T substitution at nucleotide position 74. The arginine at codon 25 is replaced by isoleucine, an amino acid with similar properties. This amino acid position is conserved. In addition, this alteration is predicted to be deleterious by in silico analysis. Based on the available evidence, the clinical significance of this variant remains unclear.

Labcorp Genetics (formerly Invitae), Labcorp
Classification: Uncertain significance for Pheochromocytoma/paraganglioma syndrome 3; Gastrointestinal stromal tumor. Last evaluated: 2022-03-14. Review status: criteria provided, single submitter. Criteria: Invitae Variant Classification Sherloc (09022015). Collection method: clinical testing. Allele origin: germline.
Comment: In summary, the available evidence is currently insufficient to determine the role of this variant in disease. Therefore, it has been classified as a Variant of Uncertain Significance. Algorithms developed to predict the effect of missense changes on protein structure and function are either unavailable or do not agree on the potential impact of this missense change (SIFT: "Deleterious"; PolyPhen-2: "Benign"; Align-GVGD: "Class C0"). This variant has not been reported in the literature in individuals affected with SDHC-related conditions. This variant is not present in population databases (gnomAD no frequency). This sequence change replaces arginine, which is basic and polar, with isoleucine, which is neutral and non-polar, at codon 25 of the SDHC protein (p.Arg25Ile).